The following is an entry in ClinVar:

ClinVar aggregate classification (germline): Uncertain significance (1 of 4 stars; one submission).

Conditions:
Cataract 20 multiple types (CTRCT20). Also called: Membranous cataract. Identifiers: Orphanet 91492, MedGen C0524524, MONDO:0007284, OMIM 116100, HP:0010922.

Submission:

Labcorp Genetics (formerly Invitae), Labcorp
Classification: Uncertain significance for Cataract 20 multiple types. Last evaluated: 2025-10-03. Review status: criteria provided, single submitter. Criteria: Invitae Variant Classification Sherloc (09022015). Collection method: clinical testing. Allele origin: germline.
Comment: This sequence change replaces glycine, which is neutral and non-polar, with valine, which is neutral and non-polar, at codon 65 of the CRYGS protein (p.Gly65Val). This variant is not present in population databases (gnomAD no frequency). This variant has not been reported in the literature in individuals affected with CRYGS-related conditions. An algorithm developed to predict the effect of missense changes on protein structure and function (PolyPhen-2) suggests that this variant is likely to be disruptive. In summary, the available evidence is currently insufficient to determine the role of this variant in disease. Therefore, it has been classified as a Variant of Uncertain Significance.

NM_017541.4(CRYGS):c.194G>T (p.Gly65Val)

Gene: CRYGS (crystallin gamma S; minus strand). Cytogenetic location: 3q27.3.
Variant type: single nucleotide variant.
Coding change: c.194G>T on transcript NM_017541.4 (MANE Select); coding-DNA position 194, G replaced by T.
Protein change: p.Gly65Val; replaces glycine 65 with valine.
Molecular consequence: missense variant.
Genome position (GRCh38, 1-based): chr3:186,539,425, C>A on the plus strand (G>T on the coding strand, the complement: CRYGS is on the minus strand). VCF-style: chr3-186539425-C-A. GRCh37 (hg19) VCF-style: chr3-186257214-C-A.
Other names: short protein forms G65V.
Identifiers: ClinVar variation 4728450 (VCV004728450.1).